The following is an entry in ClinVar:

ClinVar aggregate classification (germline): Uncertain significance (1 of 4 stars; one submission).

Submission:

GeneDx
Classification: Uncertain significance. Last evaluated: 2024-02-26. Review status: criteria provided, single submitter. Criteria: GeneDx Variant Classification Process June 2021. Collection method: clinical testing. Allele origin: germline. Affected: yes.
Comment: Not observed at significant frequency in large population cohorts (gnomAD); In silico analysis supports that this missense variant does not alter protein structure/function; Has not been previously published as pathogenic or benign to our knowledge

NM_006265.3(RAD21):c.783T>G (p.His261Gln)

Gene: RAD21 (RAD21 cohesin complex component; minus strand). Cytogenetic location: 8q24.11.
Variant type: single nucleotide variant.
Coding change: c.783T>G on transcript NM_006265.3 (MANE Select); coding-DNA position 783, T replaced by G.
Protein change: p.His261Gln; replaces histidine 261 with glutamine.
Molecular consequence: missense variant.
Genome position (GRCh38, 1-based): chr8:116,856,677, A>C on the plus strand (T>G on the coding strand, the complement: RAD21 is on the minus strand). VCF-style: chr8-116856677-A-C. GRCh37 (hg19) VCF-style: chr8-117868916-A-C.
Other names: short protein forms H261Q.
Identifiers: ClinVar variation 3369736 (VCV003369736.1).